The following is an entry in ClinVar:

ClinVar aggregate classification (germline): Uncertain significance (1 of 4 stars; one submission).

Conditions:
Early-infantile DEE. Also called: Ohtahara syndrome; Early infantile epileptic encephalopathy; Early infantile epileptic encephalopathy with suppression bursts. Identifiers: Orphanet 1934, MedGen C0393706, MONDO:0800491.

Submission:

Labcorp Genetics (formerly Invitae), Labcorp
Classification: Uncertain significance for Early-infantile DEE. Last evaluated: 2023-08-27. Review status: criteria provided, single submitter. Criteria: Invitae Variant Classification Sherloc (09022015). Collection method: clinical testing. Allele origin: germline.
Comment: This sequence change falls in intron 12 of the SCN8A gene. It does not directly change the encoded amino acid sequence of the SCN8A protein. This variant is not present in population databases (gnomAD no frequency). This variant has not been reported in the literature in individuals affected with SCN8A-related conditions. Algorithms developed to predict the effect of sequence changes on RNA splicing suggest that this variant may disrupt the consensus splice site. In summary, the available evidence is currently insufficient to determine the role of this variant in disease. Therefore, it has been classified as a Variant of Uncertain Significance.

NM_001330260.2(SCN8A):c.1998+11A>G

Gene: SCN8A (sodium voltage-gated channel alpha subunit 8; plus strand). Cytogenetic location: 12q13.13.
Variant type: single nucleotide variant.
Coding change: c.1998+11A>G on transcript NM_001330260.2 (MANE Select); 11 bases into the intron after coding-DNA position 1998, A replaced by G.
Molecular consequence: intron variant.
Genome position (GRCh38, 1-based): chr12:51,721,919, A>G. VCF-style: chr12-51721919-A-G. GRCh37 (hg19) VCF-style: chr12-52115703-A-G.
Other names: c.1998+11A>G (NM_014191.4, NM_001177984.3, NM_001369788.1).
Identifiers: ClinVar variation 2755251 (VCV002755251.3), dbSNP rs2540204638, ClinGen allele CA385230037.